The following is an entry in ClinVar:

ClinVar aggregate classification (germline): Uncertain significance (1 of 4 stars; one submission).

Submission:

GeneDx
Classification: Uncertain significance. Last evaluated: 2022-03-05. Review status: criteria provided, single submitter. Criteria: GeneDx Variant Classification Process June 2021. Collection method: clinical testing. Allele origin: germline. Affected: yes.
Comment: Not observed at significant frequency in large population cohorts (gnomAD); Initiation codon variant in a gene for which loss-of-function is a known mechanism of disease; however, in the absence of functional evidence the actual effect of this sequence change is unknown; Has not been previously published as pathogenic or benign to our knowledge

NM_000719.7(CACNA1C):c.3G>C (p.Met1Ile)

Gene: CACNA1C (calcium voltage-gated channel subunit alpha1 C; plus strand). Cytogenetic location: 12p13.33.
Variant type: single nucleotide variant.
Coding change: c.3G>C on transcript NM_000719.7 (MANE Select); coding-DNA position 3, G replaced by C.
Protein change: p.Met1Ile; changes the start codon (methionine 1).
Molecular consequence: missense variant, initiator codon variant.
Genome position (GRCh38, 1-based): chr12:2,053,565, G>C. VCF-style: chr12-2053565-G-C. GRCh37 (hg19) VCF-style: chr12-2162731-G-C.
Other names: c.3G>C, p.Met1Ile (NM_001129827.2, NM_001129829.2, NM_001129830.3 and 19 more transcripts); short protein forms M1I.
Identifiers: ClinVar variation 1704926 (VCV001704926.3), dbSNP rs2543371574, ClinGen allele CA383650606.
Genomic context (GRCh38, chr12:2,053,565, plus strand): 5'-TGTTTTCACATTTCTTCCTCTTCGTGGCTGCTCCTCCTATTAAAACCATTTTTGGTCCAT[G>C]GTCAATGAGAATACGAGGATGTACATTCCAGAGGAAAACCACCAAGGTAAGGCTGGACCC-3'
Protein context (NP_000710.5, residues 1-11): [Met1Ile]VNENTRMYIP